The following is an entry in ClinVar:

ClinVar aggregate classification (germline): Uncertain significance (1 of 4 stars; one submission).

Conditions:
HSF4-related disorder. Also called: HSF4-related condition.

gnomAD v4.1: 66 of 1,601,110 alleles (0.0041%); highest among the groups gnomAD compares: Admixed American, 0.024%; no homozygotes.

Submission:

PreventionGenetics, part of Exact Sciences
Classification: Uncertain significance for HSF4-related condition. Last evaluated: 2025-03-27. Review status: criteria provided, single submitter. Criteria: ACMG Guidelines, 2015. Collection method: clinical testing. Allele origin: germline.
Comment: The HSF4 c.916G>A variant is predicted to result in the amino acid substitution p.Gly306Arg. In an alternate transcript, this variant is found within an intronic region (NM_001538.3:c.869-43G>A). To our knowledge, this variant has not been reported in the literature. This variant is reported in 0.028% of alleles in individuals of Latino descent in gnomAD. At this time, the clinical significance of this variant is uncertain due to the absence of conclusive functional and genetic evidence.

NM_001374675.1(HSF4):c.916G>A (p.Gly306Arg)

Gene: HSF4 (heat shock transcription factor 4; plus strand). Cytogenetic location: 16q22.1.
Variant type: single nucleotide variant.
Coding change: c.916G>A on transcript NM_001374675.1 (MANE Select); coding-DNA position 916, G replaced by A.
Protein change: p.Gly306Arg; replaces glycine 306 with arginine.
Molecular consequence: missense variant. On other transcripts: intron variant (2).
Genome position (GRCh38, 1-based): chr16:67,167,781, G>A. VCF-style: chr16-67167781-G-A. GRCh37 (hg19) VCF-style: chr16-67201684-G-A.
Other names: c.916G>A, p.Gly306Arg (NM_001040667.3); c.869-43G>A (NM_001538.4, NM_001374674.1); short protein forms G306R.
Identifiers: ClinVar variation 4988997 (VCV004988997.1).